The following is an entry in ClinVar:

NM_001197104.2(KMT2A):c.3553A>T (p.Lys1185Ter)

Gene: KMT2A (lysine methyltransferase 2A; plus strand). Cytogenetic location: 11q23.3.
Variant type: single nucleotide variant.
Coding change: c.3553A>T on transcript NM_001197104.2 (MANE Select); coding-DNA position 3553, A replaced by T.
Protein change: p.Lys1185Ter; replaces lysine 1185 with a stop codon.
Molecular consequence: nonsense.
Genome position (GRCh38, 1-based): chr11:118,478,185, A>T. VCF-style: chr11-118478185-A-T. GRCh37 (hg19) VCF-style: chr11-118348900-A-T.
Other names: c.3652A>T, p.Lys1218Ter (NM_001412597.1); c.3553A>T, p.Lys1185Ter (NM_005933.4); short protein forms K1185*, K1218*.
Identifiers: ClinVar variation 3655920 (VCV003655920.2).

ClinVar aggregate classification (germline): Pathogenic (1 of 4 stars; one submission).

Submission:

Labcorp Genetics (formerly Invitae), Labcorp
Classification: Pathogenic. Last evaluated: 2024-06-08. Review status: criteria provided, single submitter. Criteria: Invitae Variant Classification Sherloc (09022015). Collection method: clinical testing. Allele origin: germline.
Comment: This sequence change creates a premature translational stop signal (p.Lys1185*) in the KMT2A gene. It is expected to result in an absent or disrupted protein product. Loss-of-function variants in KMT2A are known to be pathogenic (PMID: 22795537, 25810209, 29574747). This variant is not present in population databases (gnomAD no frequency). This variant has not been reported in the literature in individuals affected with KMT2A-related conditions. Algorithms developed to predict the effect of sequence changes on RNA splicing suggest that this variant may disrupt the consensus splice site. For these reasons, this variant has been classified as Pathogenic.

Literature cited by the submitters: PubMed 22795537; PubMed 25810209; PubMed 29574747.